The following is an entry in ClinVar:

ClinVar aggregate classification (germline): Pathogenic. Review status: criteria provided, multiple submitters, no conflicts (2 of 4 stars). 2 submissions from 2 submitters: Pathogenic (2). Last evaluated 2025-12-08.

Conditions:
Mitochondrial trifunctional protein deficiency. Identifiers: Orphanet 746, MedGen C1969443, MONDO:0012172.

gnomAD v4.1: 1 of 1,545,246 alleles (0.000065%); highest among the groups gnomAD compares: Non-Finnish European, 0.00009%; no homozygotes.

Submissions (2):

Labcorp Genetics (formerly Invitae), Labcorp
Classification: Pathogenic for Mitochondrial trifunctional protein deficiency. Last evaluated: 2025-12-08. Review status: criteria provided, single submitter. Criteria: Invitae Variant Classification Sherloc (09022015). Collection method: clinical testing. Allele origin: germline.
Comment: This sequence change affects a donor splice site in intron 4 of the HADHB gene. It is expected to disrupt RNA splicing. Variants that disrupt the donor or acceptor splice site typically lead to a loss of protein function (PMID: 16199547), and loss-of-function variants in HADHB are known to be pathogenic (PMID: 9259266, 12754706). This variant is not present in population databases (gnomAD no frequency). Disruption of this splice site has been observed in individual(s) with mitochondrial trifunctional protein deficiency (PMID: 21549624). ClinVar contains an entry for this variant (Variation ID: 2675999). Algorithms developed to predict the effect of sequence changes on RNA splicing suggest that this variant may disrupt the consensus splice site. For these reasons, this variant has been classified as Pathogenic.

Baylor Genetics
Classification: Pathogenic for Mitochondrial trifunctional protein deficiency 1. Last evaluated: 2022-08-12. Review status: criteria provided, single submitter. Criteria: ACMG Guidelines, 2015. Collection method: clinical testing. Allele origin: unknown.

Literature cited by the submitters: PubMed 16199547 (cited by Labcorp Genetics (formerly Invitae), Labcorp); PubMed 9259266 (cited by Labcorp Genetics (formerly Invitae), Labcorp); PubMed 12754706 (cited by Labcorp Genetics (formerly Invitae), Labcorp); PubMed 21549624 (cited by Labcorp Genetics (formerly Invitae), Labcorp).

NM_000183.3(HADHB):c.209+1G>C

Gene: HADHB (hydroxyacyl-CoA dehydrogenase trifunctional multienzyme complex subunit beta; plus strand). Cytogenetic location: 2p23.3.
Variant type: single nucleotide variant.
Coding change: c.209+1G>C on transcript NM_000183.3 (MANE Select); the canonical splice donor site of the intron after coding-DNA position 209, G replaced by C.
Molecular consequence: splice donor variant.
Genome position (GRCh38, 1-based): chr2:26,263,480, G>C. VCF-style: chr2-26263480-G-C. GRCh37 (hg19) VCF-style: chr2-26486348-G-C.
Other names: c.143+1G>C (NM_001281513.2); c.209+1G>C (NM_001281512.2).
Identifiers: ClinVar variation 2675999 (VCV002675999.2), dbSNP rs113112630, ClinGen allele CA346105221.